The following is an entry in ClinVar:

NM_001457.4(FLNB):c.4223-13A>G

Gene: FLNB (filamin B; plus strand). Cytogenetic location: 3p14.3.
Variant type: single nucleotide variant.
Coding change: c.4223-13A>G on transcript NM_001457.4 (MANE Select); 13 bases into the intron before coding-DNA position 4223, A replaced by G.
Molecular consequence: intron variant.
Genome position (GRCh38, 1-based): chr3:58,130,728, A>G. VCF-style: chr3-58130728-A-G. GRCh37 (hg19) VCF-style: chr3-58116455-A-G.
Other names: c.4223-13A>G (NM_001164317.2, NM_001164318.2, NM_001164319.2).
Identifiers: ClinVar variation 4729852 (VCV004729852.1).

ClinVar aggregate classification (germline): Uncertain significance (1 of 4 stars; one submission).

Submission:

Labcorp Genetics (formerly Invitae), Labcorp
Classification: Uncertain significance. Last evaluated: 2025-10-26. Review status: criteria provided, single submitter. Criteria: Invitae Variant Classification Sherloc (09022015). Collection method: clinical testing. Allele origin: germline.
Comment: This sequence change falls in intron 24 of the FLNB gene. It does not directly change the encoded amino acid sequence of the FLNB protein. This variant is not present in population databases (gnomAD no frequency). This variant has not been reported in the literature in individuals affected with FLNB-related conditions. Algorithms developed to predict the effect of sequence changes on RNA splicing suggest that this variant may disrupt the consensus splice site. In summary, the available evidence is currently insufficient to determine the role of this variant in disease. Therefore, it has been classified as a Variant of Uncertain Significance.